The following is an entry in ClinVar:

ClinVar aggregate classification (germline): Likely pathogenic (1 of 4 stars; one submission).

Conditions:
Congenital multicore myopathy with external ophthalmoplegia (CMYO1B). Also called: MULTIMINICORE DISEASE WITH EXTERNAL OPHTHALMOPLEGIA; Congenital myopathy 1B, autosomal recessive; Minicore myopathy; MULTICORE MYOPATHY; Minicore myopathy with external ophthalmoplegia. Identifiers: Orphanet 598, Orphanet 98905, MedGen C1850674, MONDO:0009712, OMIM 255320, HP:0003789.

Submission:

Muscle and Diseases Team, Institut de Génétique et Biologie Moléculaire et Cellulaire
Classification: Likely pathogenic for Congenital multicore myopathy with external ophthalmoplegia. Last evaluated: 2024-03-01. Review status: criteria provided, single submitter. Criteria: ACMG Guidelines, 2015. Collection method: research. Allele origin: unknown. Affected: yes. Observed: 1 variant allele.
Comment: PVS1+PM2

Literature cited by the submitters: DOI 10.1186/s13073-024-01353-0.

NM_000540.3(RYR1):c.8373del (p.Arg2792fs)

Genes: RYR1 (ryanodine receptor 1; plus strand), LOC126862902 (BRD4-independent group 4 enhancer GRCh37_chr19:38995830-38997029; plus strand). Cytogenetic location: 19q13.2.
Variant type: Deletion.
Coding change: c.8373del on transcript NM_000540.3 (MANE Select); coding-DNA position 8373, one base deleted (G; older notation c.8373delG).
Protein change: p.Arg2792fs; shifts the reading frame from arginine 2792.
Molecular consequence: frameshift variant.
Genome position (GRCh38, 1-based): chr19:38,505,371, G deleted. VCF-style (leftmost placement, unchanged base first): chr19-38505370-TG-T. GRCh37 (hg19) VCF-style: chr19-38996010-TG-T.
Other names: c.8373del, p.Arg2792fs (NM_001042723.2); short protein forms R2792fs.
Identifiers: ClinVar variation 3233240 (VCV003233240.2), dbSNP rs2514358561.